The following is an entry in ClinVar:

ClinVar aggregate classification (germline): Uncertain significance. Review status: criteria provided, multiple submitters, no conflicts (2 of 4 stars). 5 submissions from 5 submitters: Uncertain significance (5). Last evaluated 2026-02-02.

Conditions:
Inborn genetic diseases. Identifiers: MedGen C0950123, MeSH D030342.
Adenylosuccinate lyase deficiency (ADSLD). Also called: ADSL DEFICIENCY. Identifiers: Orphanet 46, MedGen C0268126, MONDO:0007068, OMIM 103050.

Allele frequency attached by ClinVar (database versions not stated): gnomAD exomes 0.00009; ExAC 0.00010; gnomAD 0.00019; TOPMed 0.00021; ESP Exome Variant Server 0.00023.
gnomAD v4.1: 403 of 1,613,628 alleles (0.025%); highest among the groups gnomAD compares: Non-Finnish European, 0.031%; no homozygotes.

Submissions (5):

Labcorp Genetics (formerly Invitae), Labcorp
Classification: Uncertain significance for Adenylosuccinate lyase deficiency. Last evaluated: 2026-02-02. Review status: criteria provided, single submitter. Criteria: Invitae Variant Classification Sherloc (09022015). Collection method: clinical testing. Allele origin: germline.
Comment: This sequence change replaces arginine, which is basic and polar, with histidine, which is basic and polar, at codon 372 of the ADSL protein (p.Arg372His). This variant is present in population databases (rs150228971, gnomAD 0.02%). This variant has not been reported in the literature in individuals affected with ADSL-related conditions. ClinVar contains an entry for this variant (Variation ID: 204794). Invitae Evidence Modeling of protein sequence and biophysical properties (such as structural, functional, and spatial information, amino acid conservation, physicochemical variation, residue mobility, and thermodynamic stability) indicates that this missense variant is not expected to disrupt ADSL protein function with a negative predictive value of 80%. In summary, the available evidence is currently insufficient to determine the role of this variant in disease. Therefore, it has been classified as a Variant of Uncertain Significance.

GeneDx
Classification: Uncertain significance. Last evaluated: 2025-07-18. Review status: criteria provided, single submitter. Criteria: GeneDx Variant Classification Process June 2021. Collection method: clinical testing. Allele origin: germline. Affected: yes.
Comment: In silico analysis suggests that this missense variant does not alter protein structure/function; Has not been previously published as pathogenic or benign to our knowledge

CeGaT Center for Human Genetics Tuebingen
Classification: Uncertain significance. Last evaluated: 2025-05-01. Review status: criteria provided, single submitter. Criteria: CeGaT Center For Human Genetics Tuebingen Variant Classification Criteria Version 2. Collection method: clinical testing. Allele origin: germline. Affected: yes. Observed: 1 variant allele.

Mayo Clinic Laboratories, Mayo Clinic
Classification: Uncertain significance. Last evaluated: 2024-12-26. Review status: criteria provided, single submitter. Criteria: ACMG Guidelines, 2015. Collection method: clinical testing. Allele origin: germline. Observed: 1 variant allele.
Comment: PM2_supporting

Ambry Genetics
Classification: Uncertain significance for Inborn genetic diseases. Last evaluated: 2023-12-19. Review status: criteria provided, single submitter. Criteria: Ambry Variant Classification Scheme 2023. Collection method: clinical testing. Allele origin: germline.

NM_000026.4(ADSL):c.1115G>A (p.Arg372His)

Gene: ADSL (adenylosuccinate lyase; plus strand). Cytogenetic location: 22q13.1.
Variant type: single nucleotide variant.
Coding change: c.1115G>A on transcript NM_000026.4 (MANE Select); coding-DNA position 1115, G replaced by A.
Protein change: p.Arg372His; replaces arginine 372 with histidine.
Molecular consequence: missense variant. On other transcripts: non-coding transcript variant (1).
Genome position (GRCh38, 1-based): chr22:40,364,289, G>A. VCF-style: chr22-40364289-G-A. GRCh37 (hg19) VCF-style: chr22-40760293-G-A.
Other names: p.R372H:CGC>CAC; p.Arg372His; c.1115G>A, p.Arg372His (NM_001123378.3, NM_001363840.3); c.923G>A, p.Arg308His (NM_001317923.2); short protein forms R372H, R308H.
Identifiers: ClinVar variation 204794 (VCV000204794.23), dbSNP rs150228971, ClinGen allele CA313108.